The following continues an entry in ClinVar:

NM_024675.4(PALB2):c.3296C>T (p.Thr1099Met)

Gene: PALB2. ClinVar aggregate classification (germline): Uncertain significance. Uncertain significance (13).

Submissions 9 to 14 of 14:

GeneDx
Classification: Uncertain significance. Last evaluated: 2024-09-01. Review status: criteria provided, single submitter. Criteria: GeneDx Variant Classification Process June 2021. Collection method: clinical testing. Allele origin: germline. Affected: yes.
Comment: Observed in individuals with breast, pancreatic, or biliary tract cancer (PMID: 28825143, 30287823, 34034685, 36243179, 36707770); In silico analysis supports that this missense variant has a deleterious effect on protein structure/function; Published functional studies suggest no damaging effect: demonstrates homologous recombination DNA repair activity similar to wild type (PMID: 35853885); Not observed at significant frequency in large population cohorts (gnomAD); This variant is associated with the following publications: (PMID: 28825143, 30287823, 35402282, 34034685, 24485656, 19609323, 20871615, 35853885, 38608356, 36707770, 36243179)

Molecular Pathology, Peter Maccallum Cancer Centre
Classification: Uncertain significance for Familial cancer of breast. Last evaluated: 2024-08-26. Review status: criteria provided, single submitter. Criteria: ACMG Guidelines, 2015. Collection method: clinical testing. Allele origin: germline. Inheritance: Autosomal dominant inheritance.

Baylor Genetics
Classification: Uncertain significance for Familial cancer of breast. Last evaluated: 2024-02-10. Review status: criteria provided, single submitter. Criteria: ACMG Guidelines, 2015. Collection method: clinical testing. Allele origin: unknown.

Fulgent Genetics
Classification: Uncertain significance for Familial cancer of breast; Fanconi anemia complementation group N; Pancreatic cancer, susceptibility to, 3. Last evaluated: 2022-04-18. Review status: criteria provided, single submitter. Criteria: ACMG Guidelines, 2015. Collection method: clinical testing. Allele origin: unknown.

Sema4
Classification: Uncertain significance for Hereditary cancer-predisposing syndrome. Last evaluated: 2021-12-22. Review status: criteria provided, single submitter. Criteria: Sema4 Curation Guidelines. Collection method: curation. Allele origin: germline.
Comment: The PALB2 c.3296C>T (p.Thr1099Met) variant has been reported in heterozygosity in at least 4 individuals with breast and pancreatic cancer (PMID: 30287823, 28825143, 34034685 ). It has been reported in a large case-control study in 2/60466 breast cancer cases and 0/53461 controls (PMID: 33471991). It was observed in 3/251484 chromosomes in the large and broad cohorts of the Genome Aggregation Database (PMID: 32461654). This variant has been reported in ClinVar (Variation ID 410162). In silico predictions of the variant's effect on protein function are inconclusive. A functional study reports a moderate deficiency in repair activity (DOI: 10.1200/JCO.2020.38.15_suppl.1531). The evidence is insufficient to meet ACMG/AMP criteria for classifying the variant as benign or pathogenic. Thus, the clinical significance of this variant is currently uncertain.

Leiden Open Variation Database
Classification: Uncertain significance. Last evaluated: 2018-10-10. Review status: no assertion criteria provided. Collection method: curation. Allele origin: germline. Affected: yes. Not counted in ClinVar's aggregate classification.
Comment: Curators: Marc Tischkowitz, Arleen D. Auerbach. Submitter to LOVD: Yukihide Momozawa.

Literature cited by the submitters: PubMed 28825143 (cited by 6 submitters); PubMed 30287823 (cited by 7 submitters); PubMed 30982232 (cited by 3 submitters); PubMed 31214711 (cited by 4 submitters); PubMed 35853885 (cited by 5 submitters); PubMed 36243179 (cited by Quest Diagnostics Nichols Institute San Juan Capistrano and Women's Health and Genetics/Laboratory Corporation of America, LabCorp); PubMed 36627197 (cited by Quest Diagnostics Nichols Institute San Juan Capistrano and Women's Health and Genetics/Laboratory Corporation of America, LabCorp); PubMed 34034685 (cited by 3 submitters); PubMed 28779002 (cited by Quest Diagnostics Nichols Institute San Juan Capistrano and Ambry Genetics); PubMed 33471991 (cited by Color Diagnostics, LLC DBA Color Health and Sema4).